The following is an entry in ClinVar:

ClinVar aggregate classification (germline): Uncertain significance (1 of 4 stars; one submission).

Conditions:
Hereditary cancer-predisposing syndrome. Also called: Tumor predisposition; Neoplastic Syndromes, Hereditary; Hereditary Cancer Syndrome; Hereditary neoplastic syndrome. Identifiers: Orphanet 140162, MedGen C0027672, MeSH D009386, MONDO:0015356.

Submission:

Ambry Genetics
Classification: Uncertain significance for Hereditary cancer-predisposing syndrome. Last evaluated: 2025-01-04. Review status: criteria provided, single submitter. Criteria: Ambry Variant Classification Scheme 2023. Collection method: clinical testing. Allele origin: germline.
Comment: The p.E420V variant (also known as c.1259A>T), located in coding exon 12 of the NF2 gene, results from an A to T substitution at nucleotide position 1259. The glutamic acid at codon 420 is replaced by valine, an amino acid with dissimilar properties. This amino acid position is conserved. In addition, the in silico prediction for this alteration is inconclusive. Based on the available evidence, the clinical significance of this variant remains unclear.

NM_000268.4(NF2):c.1259A>T (p.Glu420Val)

Gene: NF2 (NF2, moesin-ezrin-radixin like (MERLIN) tumor suppressor; plus strand). Cytogenetic location: 22q12.2.
Variant type: single nucleotide variant.
Coding change: c.1259A>T on transcript NM_000268.4 (MANE Select); coding-DNA position 1259, A replaced by T.
Protein change: p.Glu420Val; replaces glutamic acid 420 with valine.
Molecular consequence: missense variant. On other transcripts: intron variant (1).
Genome position (GRCh38, 1-based): chr22:29,673,405, A>T. VCF-style: chr22-29673405-A-T. GRCh37 (hg19) VCF-style: chr22-30069394-A-T.
Other names: c.1145A>T, p.Glu382Val (NM_001407053.1, NM_001407056.1); c.1136A>T, p.Glu379Val (NM_001407054.1, NM_001407058.1, NM_181829.3); c.1133A>T, p.Glu378Val (NM_001407055.1, NM_181828.3); c.1124A>T, p.Glu375Val (NM_001407057.1, NM_001407059.1); c.1259A>T, p.Glu420Val (NM_001407060.1, NM_001407066.1, NM_016418.5 and 2 more transcripts); c.1001A>T, p.Glu334Val (NM_001407062.1); c.1010A>T, p.Glu337Val (NM_001407063.1, NM_001407064.1, NM_181830.3 and 1 more transcripts); c.725A>T, p.Glu242Val (NM_001407065.1); and 2 more; short protein forms E375V, E420V, E334V, E337V, E378V, E343V, E242V, E379V.
Identifiers: ClinVar variation 3879166 (VCV003879166.1).